The following is an entry in ClinVar:

ClinVar aggregate classification (germline): Uncertain significance (1 of 4 stars; one submission).

Conditions:
Polycystic kidney disease, adult type (PKD1). Also called: Polycystic Kidney Disease 1, Autosomal Dominant; Polycystic kidney disease 1; Polycystic kidney disease 1, severe; Polycystic Kidney, Autosomal Dominant; POLYCYSTIC KIDNEY DISEASE 1 WITH OR WITHOUT POLYCYSTIC LIVER DISEASE; POLYCYSTIC KIDNEY DISEASE, ADULT, TYPE I. Identifiers: MedGen C3149841, MONDO:0008263, OMIM 173900.

Allele frequency attached by ClinVar (database versions not stated): TOPMed 0.00002; ESP Exome Variant Server 0.00008.
gnomAD v4.1: 26 of 1,594,560 alleles (0.0016%); highest among the groups gnomAD compares: Non-Finnish European, 0.002%; no homozygotes.

Submission:

Victorian Clinical Genetics Services, Murdoch Childrens Research Institute
Classification: Uncertain significance for Polycystic kidney disease, adult type. Last evaluated: 2022-02-02. Review status: criteria provided, single submitter. Criteria: ACMG Guidelines, 2015. Collection method: clinical testing. Allele origin: germline. Inheritance: Autosomal dominant inheritance. Affected: yes.
Comment: Based on the classification scheme VCGS_Germline_v1.3.4, this variant is classified as VUS-3A. Following criteria are met: 0102 - Loss of function is a known mechanism of disease in this gene and is associated with Polycystic kidney disease 1 (MIM#173900). (I) 0107 - This gene is associated with autosomal dominant disease. Polycystic kidney disease 1 (MIM#173900) is predominantly caused by monoallelic variants, with rare reports of biallelic variants causing disease (OMIM). (I) 0200 - Variant is predicted to result in a missense amino acid change from alanine to threonine. (I) 0251 - This variant is heterozygous. (I) 0302 - Variant is present in gnomAD <0.001 for a dominant condition (v2: 1 heterozygote, 0 homozygotes). (SP) 0309 - An alternative amino acid change at the same position has been observed in gnomAD (v2: 1 heterozygote, 0 homozygotes). (I) 0502 - Missense variant with conflicting in silico predictions and uninformative conservation. (I) 0600 - Variant is located in the annotated REJ domain (DECIPHER). (I) 0704 - Another missense variant comparable to the one identified in this case has limited previous evidence for pathogenicity. The p.(Ala2461Ser) variant has been identified in at least one affected individual. (SP) 0807 - This variant has no previous evidence of pathogenicity. (I) 0905 - No published segregation evidence has been identified for this variant. (I) 1007 - No published functional evidence has been identified for this variant. (I) 1208 - Inheritance information for this variant is not currently available in this individual. (I) Legend: (SP) - Supporting pathogenic, (I) - Information, (SB) - Supporting benign

NM_001009944.3(PKD1):c.7381G>A (p.Ala2461Thr)

Gene: PKD1 (polycystin 1, transient receptor potential channel interacting; minus strand). Cytogenetic location: 16p13.3.
Variant type: single nucleotide variant.
Coding change: c.7381G>A on transcript NM_001009944.3 (MANE Select); coding-DNA position 7381, G replaced by A.
Protein change: p.Ala2461Thr; replaces alanine 2461 with threonine.
Molecular consequence: missense variant.
Genome position (GRCh38, 1-based): chr16:2,106,506, C>T on the plus strand (G>A on the coding strand, the complement: PKD1 is on the minus strand). VCF-style: chr16-2106506-C-T. GRCh37 (hg19) VCF-style: chr16-2156507-C-T.
Other names: c.7381G>A, p.Ala2461Thr (NM_000296.4); short protein forms A2461T.
Identifiers: ClinVar variation 1805213 (VCV001805213.1), dbSNP rs142261601, ClinGen allele CA7831153.